The following is an entry in ClinVar:

NM_000143.4(FH):c.100C>T (p.Pro34Ser)

Gene: FH (fumarate hydratase; minus strand). Cytogenetic location: 1q43.
Variant type: single nucleotide variant.
Coding change: c.100C>T on transcript NM_000143.4 (MANE Select); coding-DNA position 100, C replaced by T.
Protein change: p.Pro34Ser; replaces proline 34 with serine.
Molecular consequence: missense variant.
Genome position (GRCh38, 1-based): chr1:241,519,623, G>A on the plus strand (C>T on the coding strand, the complement: FH is on the minus strand). VCF-style: chr1-241519623-G-A. GRCh37 (hg19) VCF-style: chr1-241682923-G-A.
Other names: c.100C>T (NM_000143.3); short protein forms P34S.
Identifiers: ClinVar variation 991800 (VCV000991800.8), dbSNP rs1191023697, ClinGen allele CA345442706.

ClinVar aggregate classification (germline): Uncertain significance. Review status: criteria provided, multiple submitters, no conflicts (2 of 4 stars). 4 submissions from 4 submitters: Uncertain significance (3). 1 of the submissions does not count toward it. Last evaluated 2026-01-28.

Conditions:
Hereditary cancer-predisposing syndrome. Also called: Neoplastic Syndromes, Hereditary; Hereditary neoplastic syndrome; Hereditary Cancer Syndrome; Tumor predisposition. Identifiers: Orphanet 140162, MedGen C0027672, MeSH D009386, MONDO:0015356.
Fumarase deficiency (FMRD). Also called: Fumarate Hydratase Deficiency; Fumaric aciduria. Identifiers: Orphanet 24, MedGen C0342770, MONDO:0011730, OMIM 606812.

Allele frequency attached by ClinVar (database versions not stated): gnomAD exomes below 0.00001; TOPMed below 0.00001.
gnomAD v4.1: 1 of 1,547,774 alleles (0.000065%); highest among the groups gnomAD compares: Non-Finnish European, 0.000087%; no homozygotes.

Submissions (4):

Labcorp Genetics (formerly Invitae), Labcorp
Classification: Uncertain significance. Last evaluated: 2026-01-28. Review status: criteria provided, single submitter. Criteria: Invitae Variant Classification Sherloc (09022015). Collection method: clinical testing. Allele origin: germline.
Comment: This sequence change replaces proline, which is neutral and non-polar, with serine, which is neutral and polar, at codon 34 of the FH protein (p.Pro34Ser). This variant is not present in population databases (gnomAD no frequency). This variant has not been reported in the literature in individuals affected with FH-related conditions. ClinVar contains an entry for this variant (Variation ID: 991800). Invitae Evidence Modeling of protein sequence and biophysical properties (such as structural, functional, and spatial information, amino acid conservation, physicochemical variation, residue mobility, and thermodynamic stability) indicates that this missense variant is not expected to disrupt FH protein function with a negative predictive value of 95%. In summary, the available evidence is currently insufficient to determine the role of this variant in disease. Therefore, it has been classified as a Variant of Uncertain Significance.

Ambry Genetics
Classification: Uncertain significance for Hereditary cancer-predisposing syndrome. Last evaluated: 2024-04-27. Review status: criteria provided, single submitter. Criteria: Ambry Variant Classification Scheme 2023. Collection method: clinical testing. Allele origin: germline.
Comment: The p.P34S variant (also known as c.100C>T), located in coding exon 1 of the FH gene, results from a C to T substitution at nucleotide position 100. The proline at codon 34 is replaced by serine, an amino acid with similar properties. This amino acid position is poorly conserved in available vertebrate species. In addition, this alteration is predicted to be tolerated by in silico analysis. Since supporting evidence is limited at this time, the clinical significance of this alteration remains unclear.

GeneDx
Classification: Uncertain significance. Last evaluated: 2023-10-25. Review status: criteria provided, single submitter. Criteria: GeneDx Variant Classification Process June 2021. Collection method: clinical testing. Allele origin: germline. Affected: yes.
Comment: Has not been previously published as pathogenic or benign to our knowledge; Not observed at significant frequency in large population cohorts (gnomAD); In silico analysis supports that this missense variant does not alter protein structure/function

Natera, Inc.
Classification: Uncertain significance for Fumarase deficiency. Last evaluated: 2020-08-13. Review status: no assertion criteria provided. Collection method: clinical testing. Allele origin: germline. Not counted in ClinVar's aggregate classification.